The following is an entry in ClinVar:

ClinVar aggregate classification (germline): Uncertain significance (1 of 4 stars; one submission).

Allele frequency attached by ClinVar (database versions not stated): ExAC 0.00001.

Submission:

Labcorp Genetics (formerly Invitae), Labcorp
Classification: Uncertain significance. Last evaluated: 2023-08-27. Review status: criteria provided, single submitter. Criteria: Invitae Variant Classification Sherloc (09022015). Collection method: clinical testing. Allele origin: germline.
Comment: This sequence change falls in intron 14 of the ATP1A1 gene. It does not directly change the encoded amino acid sequence of the ATP1A1 protein. It affects a nucleotide within the consensus splice site. This variant is not present in population databases (gnomAD no frequency). This variant has not been reported in the literature in individuals affected with ATP1A1-related conditions. Variants that disrupt the consensus splice site are a relatively common cause of aberrant splicing (PMID: 17576681, 9536098). Algorithms developed to predict the effect of sequence changes on RNA splicing suggest that this variant is not likely to affect RNA splicing. In summary, the available evidence is currently insufficient to determine the role of this variant in disease. Therefore, it has been classified as a Variant of Uncertain Significance.

Literature cited by the submitters: PubMed 17576681; PubMed 9536098.

NM_000701.8(ATP1A1):c.1974-3T>C

Genes: ATP1A1 (ATPase Na+/K+ transporting subunit alpha 1; plus strand), ATP1A1-AS1 (ATP1A1 antisense RNA 1; minus strand). Cytogenetic location: 1p13.1.
Variant type: single nucleotide variant.
Coding change: c.1974-3T>C on transcript NM_000701.8 (MANE Select); 3 bases into the intron before coding-DNA position 1974, T replaced by C.
Molecular consequence: intron variant.
Genome position (GRCh38, 1-based): chr1:116,397,885, T>C. VCF-style: chr1-116397885-T-C. GRCh37 (hg19) VCF-style: chr1-116940507-T-C.
Other names: c.1974-3T>C (NM_001160233.2); c.1881-3T>C (NM_001160234.2).
Identifiers: ClinVar variation 2859121 (VCV002859121.3), dbSNP rs751776150, ClinGen allele CA1025457.
Genomic context (GRCh38, chr1:116,397,885, plus strand): 5'-GGTGATGGACACATGCTGGTGATGTGATGCGTGACTTTTTTTTTTTTTTTGTCCTAATTC[T>C]AGGGATGCCAAGGCCTGCGTAGTACACGGCAGTGATCTAAAGGACATGACCTCCGAGCAG-3'